The following is an entry in ClinVar:

NM_001918.5(DBT):c.252-1G>T

Gene: DBT (dihydrolipoamide branched chain transacylase E2; minus strand). Cytogenetic location: 1p21.2.
Variant type: single nucleotide variant.
Coding change: c.252-1G>T on transcript NM_001918.5 (MANE Select); the canonical splice acceptor site of the intron before coding-DNA position 252, G replaced by T.
Molecular consequence: splice acceptor variant.
Genome position (GRCh38, 1-based): chr1:100,230,915, C>A on the plus strand (G>T on the coding strand, the complement: DBT is on the minus strand). VCF-style: chr1-100230915-C-A. GRCh37 (hg19) VCF-style: chr1-100696471-C-A.
Other names: c.-292-1G>T (NM_001399972.1, NM_001399969.1).
Identifiers: ClinVar variation 1066691 (VCV001066691.7), dbSNP rs1663522846, ClinGen allele CA341344566.

ClinVar aggregate classification (germline): Likely pathogenic (1 of 4 stars; one submission).

Conditions:
Maple syrup urine disease (MSUD). Identifiers: Orphanet 511, MedGen C0024776, MeSH D008375, MONDO:0009563. Disease mechanism: loss of function.

Submission:

Labcorp Genetics (formerly Invitae), Labcorp
Classification: Likely pathogenic for Maple syrup urine disease. Last evaluated: 2020-09-07. Review status: criteria provided, single submitter. Criteria: Invitae Variant Classification Sherloc (09022015). Collection method: clinical testing. Allele origin: germline.
Comment: Donor and acceptor splice site variants typically lead to a loss of protein function (PMID: 16199547), and loss-of-function variants in DBT are known to be pathogenic (PMID: 16579849, 16786533). In summary, the currently available evidence indicates that the variant is pathogenic, but additional data are needed to prove that conclusively. Therefore, this variant has been classified as Likely Pathogenic. Algorithms developed to predict the effect of sequence changes on RNA splicing suggest that this variant may disrupt the consensus splice site, but this prediction has not been confirmed by published transcriptional studies. This variant has not been reported in the literature in individuals with DBT-related conditions. This variant is not present in population databases (ExAC no frequency). This sequence change affects an acceptor splice site in intron 3 of the DBT gene. It is expected to disrupt RNA splicing and likely results in an absent or disrupted protein product.

Literature cited by the submitters: PubMed 16199547; PubMed 16579849; PubMed 16786533.